The following is an entry in ClinVar:

NM_033100.4(CDHR1):c.1825T>C (p.Tyr609His)

Gene: CDHR1 (cadherin related family member 1; plus strand). Cytogenetic location: 10q23.1.
Variant type: single nucleotide variant.
Coding change: c.1825T>C on transcript NM_033100.4 (MANE Select); coding-DNA position 1825, T replaced by C.
Protein change: p.Tyr609His; replaces tyrosine 609 with histidine.
Molecular consequence: missense variant.
Genome position (GRCh38, 1-based): chr10:84,213,133, T>C. VCF-style: chr10-84213133-T-C. GRCh37 (hg19) VCF-style: chr10-85972889-T-C.
Other names: c.1825T>C, p.Tyr609His (NM_001171971.3); short protein forms Y609H.
Identifiers: ClinVar variation 1017839 (VCV001017839.7), dbSNP rs1842365798, ClinGen allele CA377378337.

ClinVar aggregate classification (germline): Uncertain significance (1 of 4 stars; one submission).

Allele frequency attached by ClinVar (database versions not stated): gnomAD exomes below 0.00001.

Submission:

Labcorp Genetics (formerly Invitae), Labcorp
Classification: Uncertain significance. Last evaluated: 2020-10-14. Review status: criteria provided, single submitter. Criteria: Invitae Variant Classification Sherloc (09022015). Collection method: clinical testing. Allele origin: germline.
Comment: In summary, the available evidence is currently insufficient to determine the role of this variant in disease. Therefore, it has been classified as a Variant of Uncertain Significance. Advanced modeling of protein sequence and biophysical properties (such as structural, functional, and spatial information, amino acid conservation, physicochemical variation, residue mobility, and thermodynamic stability) performed at Invitae indicates that this missense variant is expected to disrupt CDHR1 protein function. This variant has not been reported in the literature in individuals with CDHR1-related conditions. This variant is not present in population databases (ExAC no frequency). This sequence change replaces tyrosine with histidine at codon 609 of the CDHR1 protein (p.Tyr609His). The tyrosine residue is highly conserved and there is a moderate physicochemical difference between tyrosine and histidine.